The following is an entry in ClinVar:

NM_016180.5(SLC45A2):c.1484del (p.Gly495fs)

Gene: SLC45A2 (solute carrier family 45 member 2; minus strand). Cytogenetic location: 5p13.2.
Variant type: Deletion.
Coding change: c.1484del on transcript NM_016180.5 (MANE Select); coding-DNA position 1484, one base deleted (G; older notation c.1484delG).
Protein change: p.Gly495fs; shifts the reading frame from glycine 495.
Molecular consequence: frameshift variant.
Genome position (GRCh38, 1-based): chr5:33,944,757, C deleted on the plus strand (G on the coding strand, the reverse complement: SLC45A2 is on the minus strand); the first of 3 consecutive C bases (chr5:33,944,757-33,944,759); deleting any one gives the same sequence. VCF-style (leftmost placement, unchanged base first): chr5-33944756-GC-G. GRCh37 (hg19) VCF-style: chr5-33944861-GC-G.
Other names: short protein forms G495fs.
Identifiers: ClinVar variation 3704384 (VCV003704384.2).
Genomic context (GRCh38, chr5:33,944,756, plus strand): 5'-TGCCACCGCAGACGCTGTGATCACCACGACGACAACGGTCCCGGCTGTGTTGACCAGAAA[GC>G]CCAGGCCACCTCCGACCAGGATCTGAGCCAGCTGCACCATGCATGTGAGGGTGGCGCAGT-3'

ClinVar aggregate classification (germline): Pathogenic (1 of 4 stars; one submission).

Submission:

Labcorp Genetics (formerly Invitae), Labcorp
Classification: Pathogenic. Last evaluated: 2024-12-24. Review status: criteria provided, single submitter. Criteria: Invitae Variant Classification Sherloc (09022015). Collection method: clinical testing. Allele origin: germline.
Comment: This sequence change creates a premature translational stop signal (p.Gly495Alafs*14) in the SLC45A2 gene. While this is not anticipated to result in nonsense mediated decay, it is expected to disrupt the last 36 amino acid(s) of the SLC45A2 protein. This variant is present in population databases (rs748508504, gnomAD 0.0009%). This premature translational stop signal has been observed in individual(s) with albinism (PMID: 29345414). Algorithms developed to predict the effect of sequence changes on RNA splicing suggest that this variant may disrupt the consensus splice site. This variant disrupts a region of the SLC45A2 protein in which other variant(s) (p.Cys519Arg) have been determined to be pathogenic (internal data). This suggests that this is a clinically significant region of the protein, and that variants that disrupt it are likely to be disease-causing. For these reasons, this variant has been classified as Pathogenic.

Literature cited by the submitters: PubMed 29345414.